The following is an entry in ClinVar:

NM_020433.5(JPH2):c.637C>T (p.Arg213Trp)

Gene: JPH2 (junctophilin 2; minus strand). Cytogenetic location: 20q13.12.
Variant type: single nucleotide variant.
Coding change: c.637C>T on transcript NM_020433.5 (MANE Select); coding-DNA position 637, C replaced by T.
Protein change: p.Arg213Trp; replaces arginine 213 with tryptophan.
Molecular consequence: missense variant.
Genome position (GRCh38, 1-based): chr20:44,160,150, G>A on the plus strand (C>T on the coding strand, the complement: JPH2 is on the minus strand). VCF-style: chr20-44160150-G-A. GRCh37 (hg19) VCF-style: chr20-42788790-G-A.
Other names: p.R213W:CGG>TGG; short protein forms R213W.
Identifiers: ClinVar variation 201797 (VCV000201797.34), dbSNP rs767328866, ClinGen allele CA335223.
Genomic context (GRCh38, chr20:44,160,150, plus strand): 5'-CGCGCCGCAGCTTGCCCAGCAGCGCGCCCCGCTGGAAGAGGCCGCCGCCCTTGGGCGCCC[G>A]CGCGGCCGCCTCGGCATTGGCCAGGAGGCTGAGCGCGAAGCCGCCACGCGGGATGGCGGG-3'
Protein context (NP_065166.2, residues 203-223): SLLANAEAAA[Arg213Trp]APKGGGLFQR

ClinVar aggregate classification (germline): Conflicting classifications of pathogenicity. Review status: criteria provided, conflicting classifications (1 of 4 stars). 11 submissions from 11 submitters: Uncertain significance (2); Benign (1); Likely benign (6). 2 of the submissions do not count toward it. Last evaluated 2026-03-23.

Conditions:
Hypertrophic cardiomyopathy 17. Identifiers: MedGen C3151264, MONDO:0013474, OMIM 613873.
Cardiomyopathy, dilated, 2E. Identifiers: MedGen C5561970, MONDO:0030366, OMIM 619492.
Cardiovascular phenotype. Identifiers: MedGen CN230736.
Hypertrophic cardiomyopathy. Also called: HYPERTROPHIC MYOCARDIOPATHY. Identifiers: Orphanet 217569, MedGen C0007194, MeSH D002312, MONDO:0005045, HP:0001639.

Allele frequency attached by ClinVar (database versions not stated): gnomAD exomes 0.00011 and 0.00037; 1000 Genomes Project 30x 0.00078; gnomAD 0.00128 and 0.00145; TOPMed 0.00151; ExAC 0.00112.
gnomAD v4.1: 345 of 1,432,604 alleles (0.024%); highest among the groups gnomAD compares: African/African-American, 0.45%; 2 homozygotes.

Submissions (11):

Women's Health and Genetics/Laboratory Corporation of America, LabCorp
Classification: Likely benign. Last evaluated: 2026-03-23. Review status: criteria provided, single submitter. Criteria: LabCorp Variant Classification Summary - May 2015. Collection method: clinical testing. Allele origin: germline.
Comment: Variant summary: JPH2 c.637C>T (p.Arg213Trp) results in a non-conservative amino acid change in the encoded protein sequence. Algorithms developed to predict the effect of missense changes on protein structure and function are either unavailable or do not agree on the potential impact of this missense change. The variant allele was found at a frequency of 0.00037 in 50800 control chromosomes in the gnomAD database, including 1 homozygotes. The observed variant frequency exceeds the estimated maximal expected allele frequency for disease-causing variants in JPH2. To our knowledge, no occurrence of c.637C>T in individuals affected with JPH2-related conditions and no experimental evidence demonstrating its impact on protein function have been reported. ClinVar contains an entry for this variant (Variation ID: 201797). Based on the evidence outlined above, the variant was classified as likely benign.

Labcorp Genetics (formerly Invitae), Labcorp
Classification: Benign for Hypertrophic cardiomyopathy. Last evaluated: 2026-02-02. Review status: criteria provided, single submitter. Criteria: Invitae Variant Classification Sherloc (09022015). Collection method: clinical testing. Allele origin: germline.

Molecular Diagnostic Laboratory for Inherited Cardiovascular Disease, Montreal Heart Institute
Classification: Likely benign. Last evaluated: 2025-04-09. Review status: criteria provided, single submitter. Criteria: ACMG Guidelines, 2015. Collection method: clinical testing. Allele origin: germline. Affected: no.

Blueprint Genetics
Classification: Likely benign. Last evaluated: 2024-05-03. Review status: criteria provided, single submitter. Criteria: ACMG Guidelines, 2015. Collection method: clinical testing. Allele origin: germline.

ARUP Laboratories, Molecular Genetics and Genomics, ARUP Laboratories
Classification: Likely benign. Last evaluated: 2024-03-01. Review status: criteria provided, single submitter. Criteria: ARUP Molecular Germline Variant Investigation Process 2024. Collection method: clinical testing. Allele origin: germline.

GeneDx
Classification: Likely benign. Last evaluated: 2021-05-14. Review status: criteria provided, single submitter. Criteria: GeneDx Variant Classification Process June 2021. Collection method: clinical testing. Allele origin: germline. Affected: yes.

Ambry Genetics
Classification: Likely benign for Cardiovascular phenotype. Last evaluated: 2019-11-21. Review status: criteria provided, single submitter. Criteria: Ambry Variant Classification Scheme 2023. Collection method: clinical testing. Allele origin: germline.

Laboratory for Molecular Medicine, Mass General Brigham Personalized Medicine
Classification: Uncertain significance. Last evaluated: 2015-06-12. Review status: criteria provided, single submitter. Criteria: LMM Criteria. Collection method: clinical testing. Allele origin: germline. Observed: 1 variant allele.
Comment: The p.Arg213Trp variant in JPH2 has not been previously reported in individuals with cardiomyopathy, but has been identified in 0.1% (4/3380) of South Asian chr omosomes and 1/82 African chromosomes by the Exome Aggregation Consortium (ExAC). Computational prediction tools and conservatio n analysis do not provide strong support for or against an impact to the protein . In summary, the clinical significance of the p.Arg213Trp variant is uncertain.

Center for Genomics, Ann and Robert H. Lurie Children's Hospital of Chicago
Classification: Uncertain significance for Cardiomyopathy, dilated, 2E; Hypertrophic cardiomyopathy 17. Review status: criteria provided, single submitter. Criteria: ACMG Guidelines, 2015. Collection method: clinical testing. Allele origin: germline.
Comment: JPH2 NM_020433.4 exon 2 p.Arg213Trp (c.637C>T): This variant has not been reported in the literature but is present in 0.07% (64/81352) of total alleles in the Genome Aggregation Database, including 2 homozygotes. This variant is present in ClinVar (Variation ID:201797). Evolutionary conservation and computational predictive tools for this variant are unclear. In summary, data on this variant is insufficient for disease classification. Therefore, the clinical significance of this variant is uncertain.

Clinical Genetics DNA and cytogenetics Diagnostics Lab, Erasmus MC, Erasmus Medical Center
Classification: Likely benign. Review status: no assertion criteria provided. Collection method: clinical testing. Allele origin: germline. Affected: yes. Study: VKGL Data-share Consensus. Not counted in ClinVar's aggregate classification.

Clinical Genetics, Academic Medical Center
Classification: Benign. Review status: no assertion criteria provided. Collection method: clinical testing. Allele origin: germline. Affected: yes. Study: VKGL Data-share Consensus. Not counted in ClinVar's aggregate classification.